The following is an entry in ClinVar:

NM_001165963.4(SCN1A):c.2374A>G (p.Met792Val)

Gene: SCN1A (sodium voltage-gated channel alpha subunit 1; minus strand). Cytogenetic location: 2q24.3.
Variant type: single nucleotide variant.
Coding change: c.2374A>G on transcript NM_001165963.4 (MANE Select); coding-DNA position 2374, A replaced by G.
Protein change: p.Met792Val; replaces methionine 792 with valine.
Molecular consequence: missense variant. On other transcripts: 5 prime UTR variant (1), non-coding transcript variant (1).
Genome position (GRCh38, 1-based): chr2:166,041,272, T>C on the plus strand (A>G on the coding strand, the complement: SCN1A is on the minus strand). VCF-style: chr2-166041272-T-C. GRCh37 (hg19) VCF-style: chr2-166897782-T-C.
Other names: c.2290A>G, p.Met764Val (NM_001165964.3, NM_001353957.2, NM_001353958.2); c.2374A>G, p.Met792Val (NM_001202435.3, NM_001353948.2); c.2341A>G, p.Met781Val (NM_001353949.2, NM_001353950.2, NM_001353951.2 and 2 more transcripts); c.2338A>G, p.Met780Val (NM_001353954.2, NM_001353955.2); c.2287A>G, p.Met763Val (NM_001353960.2); c.-85A>G (NM_001353961.2); short protein forms M764V, M781V, M792V, M780V, M763V.
Identifiers: ClinVar variation 2016603 (VCV002016603.4), dbSNP rs1224866991, ClinGen allele CA349063903.
Genomic context (GRCh38, chr2:166,041,272, plus strand): 5'-TACCTTCCAATATGCTTACCAAGTTTCCTACTGTAAGCACATTATTGAAATGGTCCGTCA[T>C]TGGATAGTGCTCCATGGCCATGAAAAGAGTATTTAAGACAATACAGATGGTGATGGCCAG-3'
Protein context (NP_001159435.1, residues 782-802): TLFMAMEHYP[Met792Val]TDHFNNVLTV

ClinVar aggregate classification (germline): Uncertain significance (1 of 4 stars; one submission).

Conditions:
Early-infantile DEE. Also called: Early infantile epileptic encephalopathy; Ohtahara syndrome; Early infantile epileptic encephalopathy with suppression bursts. Identifiers: Orphanet 1934, MedGen C0393706, MONDO:0800491.

Allele frequency attached by ClinVar (database versions not stated): gnomAD exomes below 0.00001; TOPMed below 0.00001.
gnomAD v4.1: 1 of 1,613,998 alleles (0.000062%); highest among the groups gnomAD compares: Non-Finnish European, 0.000085%; no homozygotes.

Submission:

Labcorp Genetics (formerly Invitae), Labcorp
Classification: Uncertain significance for Early-infantile DEE. Last evaluated: 2024-10-27. Review status: criteria provided, single submitter. Criteria: Invitae Variant Classification Sherloc (09022015). Collection method: clinical testing. Allele origin: germline.
Comment: This sequence change replaces methionine, which is neutral and non-polar, with valine, which is neutral and non-polar, at codon 792 of the SCN1A protein (p.Met792Val). This variant is present in population databases (no rsID available, gnomAD 0.007%). This variant has not been reported in the literature in individuals affected with SCN1A-related conditions. ClinVar contains an entry for this variant (Variation ID: 2016603). Invitae Evidence Modeling of protein sequence and biophysical properties (such as structural, functional, and spatial information, amino acid conservation, physicochemical variation, residue mobility, and thermodynamic stability) indicates that this missense variant is expected to disrupt SCN1A protein function with a positive predictive value of 95%. In summary, the available evidence is currently insufficient to determine the role of this variant in disease. Therefore, it has been classified as a Variant of Uncertain Significance.